The following is an entry in ClinVar:

NM_001164760.2(PRKAR1B):c.611C>T (p.Ala204Val)

Gene: PRKAR1B (protein kinase cAMP-dependent type I regulatory subunit beta; minus strand). Cytogenetic location: 7p22.3.
Variant type: single nucleotide variant.
Coding change: c.611C>T on transcript NM_001164760.2 (MANE Select); coding-DNA position 611, C replaced by T.
Protein change: p.Ala204Val; replaces alanine 204 with valine.
Molecular consequence: missense variant.
Genome position (GRCh38, 1-based): chr7:596,243, G>A on the plus strand (C>T on the coding strand, the complement: PRKAR1B is on the minus strand). VCF-style: chr7-596243-G-A. GRCh37 (hg19) VCF-style: chr7-635880-G-A.
Other names: c.611C>T, p.Ala204Val (NM_001164758.2, NM_001164759.1, NM_001164761.2 and 2 more transcripts); short protein forms A204V.
Identifiers: ClinVar variation 3365386 (VCV003365386.2).
Genomic context (GRCh38, chr7:596,243, plus strand): 5'-CAGAGCTTGAGGTCCGTCTTGGCTTTCACGGTCGCAGCCCTGGGGGTGCCGTAGATGAGC[G>A]CCAGCTCCCCGAAGCTGCCTCCCTCGCTGATGTTGGTCACCCACTCTCCGTTCACGTACA-3'
Protein context (NP_001158232.1, residues 194-214): ISEGGSFGEL[Ala204Val]LIYGTPRAAT

ClinVar aggregate classification (germline): Uncertain significance. Review status: criteria provided, multiple submitters, no conflicts (2 of 4 stars). 2 submissions from 2 submitters: Uncertain significance (2). Last evaluated 2023-12-11.

Submissions (2):

GeneDx
Classification: Uncertain significance. Last evaluated: 2023-12-11. Review status: criteria provided, single submitter. Criteria: GeneDx Variant Classification Process June 2021. Collection method: clinical testing. Allele origin: germline. Affected: yes.
Comment: Not observed at significant frequency in large population cohorts (gnomAD); In silico analysis supports that this missense variant has a deleterious effect on protein structure/function; Has not been previously published as pathogenic or benign to our knowledge

Blueprint Genetics
Classification: Uncertain significance. Last evaluated: 2020-12-10. Review status: criteria provided, single submitter. Criteria: ACMG Guidelines, 2015. Collection method: clinical testing. Allele origin: germline.